The following is an entry in ClinVar:

NM_017947.4(MOCOS):c.842C>T (p.Ala281Val)

Gene: MOCOS (molybdenum cofactor sulfurase; plus strand). Cytogenetic location: 18q12.2.
Variant type: single nucleotide variant.
Coding change: c.842C>T on transcript NM_017947.4 (MANE Select); coding-DNA position 842, C replaced by T.
Protein change: p.Ala281Val; replaces alanine 281 with valine.
Molecular consequence: missense variant.
Genome position (GRCh38, 1-based): chr18:36,200,225, C>T. VCF-style: chr18-36200225-C-T. GRCh37 (hg19) VCF-style: chr18-33780188-C-T.
Other names: short protein forms A281V.
Identifiers: ClinVar variation 773337 (VCV000773337.12), dbSNP rs150272391, ClinGen allele CA8940521.
Genomic context (GRCh38, chr18:36,200,225, plus strand): 5'-CCTTCTATAAGATCTTCGGGTTTCCTACAGGCCTGGGCGCTCTGCTGGTCCATAATCGTG[C>T]GGCTCCTCTACTGAGGAAGACCTACTTTGGAGGAGGGACAGCCTCTGCGTACCTAGCAGG-3'
Protein context (NP_060417.4, residues 271-291): GLGALLVHNR[Ala281Val]APLLRKTYFG

ClinVar aggregate classification (germline): Conflicting classifications of pathogenicity. Review status: criteria provided, conflicting classifications (1 of 4 stars). 5 submissions from 5 submitters: Uncertain significance (1); Likely benign (3). 1 of the submissions does not count toward it. Last evaluated 2026-03-06.

Conditions:
Xanthinuria type II. Also called: Xanthine dehydrogenase and aldehyde oxidase combined deficiency of; XDH and AOX dual deficiency. Identifiers: Orphanet 3467, Orphanet 93602, MedGen C1863688, MONDO:0011346, OMIM 603592.
MOCOS-related disorder. Also called: MOCOS-related condition.

Allele frequency attached by ClinVar (database versions not stated): 1000 Genomes Project 30x 0.00078; 1000 Genomes Project 0.00060; gnomAD 0.00157; ESP Exome Variant Server 0.00161; TOPMed 0.00170.
gnomAD v4.1: 459 of 1,614,154 alleles (0.028%); highest among the groups gnomAD compares: African/African-American, 0.53%; 3 homozygotes.

Submissions (5):

GeneDx
Classification: Uncertain significance. Last evaluated: 2026-03-06. Review status: criteria provided, single submitter. Criteria: GeneDx Variant Classification Process June 2021. Collection method: clinical testing. Allele origin: germline.
Comment: In silico analysis suggests that this missense variant does not alter protein structure/function; Has not been previously published as pathogenic or benign to our knowledge

Labcorp Genetics (formerly Invitae), Labcorp
Classification: Likely benign for Xanthinuria type II. Last evaluated: 2026-01-06. Review status: criteria provided, single submitter. Criteria: Invitae Variant Classification Sherloc (09022015). Collection method: clinical testing. Allele origin: germline.

Ambry Genetics
Classification: Likely benign. Last evaluated: 2025-08-25. Review status: criteria provided, single submitter. Criteria: Ambry Variant Classification Scheme 2023. Collection method: clinical testing. Allele origin: germline.

Breakthrough Genomics
Classification: Likely benign. Review status: criteria provided, single submitter. Criteria: ACMG Guidelines, 2015. Collection method: not provided. Allele origin: germline. Inheritance: Autosomal recessive inheritance. Affected: yes.

PreventionGenetics, part of Exact Sciences
Classification: Likely benign for MOCOS-related condition. Last evaluated: 2020-08-05. Review status: no assertion criteria provided. Collection method: clinical testing. Allele origin: germline. Not counted in ClinVar's aggregate classification.
Comment: This variant is classified as likely benign based on ACMG/AMP sequence variant interpretation guidelines (Richards et al. 2015 PMID: 25741868, with internal and published modifications).